The following is an entry in ClinVar:

NM_000214.3(JAG1):c.1326G>T (p.Trp442Cys)

Gene: JAG1 (jagged canonical Notch ligand 1; minus strand). Cytogenetic location: 20p12.2.
Variant type: single nucleotide variant.
Coding change: c.1326G>T on transcript NM_000214.3 (MANE Select); coding-DNA position 1326, G replaced by T.
Protein change: p.Trp442Cys; replaces tryptophan 442 with cysteine.
Molecular consequence: missense variant.
Genome position (GRCh38, 1-based): chr20:10,649,544, C>A on the plus strand (G>T on the coding strand, the complement: JAG1 is on the minus strand). VCF-style: chr20-10649544-C-A. GRCh37 (hg19) VCF-style: chr20-10630192-C-A.
Other names: c.1326G>T (NM_000214.2); short protein forms W442C.
Identifiers: ClinVar variation 1346090 (VCV001346090.7), dbSNP rs794726974, ClinGen allele CA408238134.
Genomic context (GRCh38, chr20:10,649,544, plus strand): 5'-AGTTTCATGAAAATCAAAATGGAAACAAAGTCACTCACTTATGTCACAATTCTGACCCAT[C>A]CAGCCGGGAAGACAGTCGCAGTAGTAGCTGGCAATGAGATTCTTACAGGATTTGGCGTTT-3'
Protein context (NP_000205.1, residues 432-452): ASYYCDCLPG[Trp442Cys]MGQNCDININ

ClinVar aggregate classification (germline): Uncertain significance. Review status: criteria provided, multiple submitters, no conflicts (2 of 4 stars). 2 submissions from 2 submitters: Uncertain significance (2). Last evaluated 2024-12-02.

Conditions:
Alagille syndrome due to a JAG1 point mutation. Also called: Alagille Syndrome 1; HEPATIC DUCTULAR HYPOPLASIA, SYNDROMATIC; JAG1-Related Alagille Syndrome. Identifiers: Orphanet 261619, Orphanet 52, MedGen C1956125, MONDO:0016862, OMIM 118450.

Submissions (2):

GeneDx
Classification: Uncertain significance. Last evaluated: 2024-12-02. Review status: criteria provided, single submitter. Criteria: GeneDx Variant Classification Process June 2021. Collection method: clinical testing. Allele origin: germline. Affected: yes.
Comment: Not observed at significant frequency in large population cohorts (gnomAD); In silico analysis supports that this missense variant has a deleterious effect on protein structure/function; Has not been previously published as pathogenic or benign to our knowledge

Labcorp Genetics (formerly Invitae), Labcorp
Classification: Uncertain significance for Alagille syndrome due to a JAG1 point mutation. Last evaluated: 2022-01-06. Review status: criteria provided, single submitter. Criteria: Invitae Variant Classification Sherloc (09022015). Collection method: clinical testing. Allele origin: germline.
Comment: This variant has not been reported in the literature in individuals affected with JAG1-related conditions. Advanced modeling of protein sequence and biophysical properties (such as structural, functional, and spatial information, amino acid conservation, physicochemical variation, residue mobility, and thermodynamic stability) performed at Invitae indicates that this missense variant is expected to disrupt JAG1 protein function. Algorithms developed to predict the effect of sequence changes on RNA splicing suggest that this variant may create or strengthen a splice site. In summary, the available evidence is currently insufficient to determine the role of this variant in disease. Therefore, it has been classified as a Variant of Uncertain Significance. This variant is not present in population databases (gnomAD no frequency). This sequence change replaces tryptophan, which is neutral and slightly polar, with cysteine, which is neutral and slightly polar, at codon 442 of the JAG1 protein (p.Trp442Cys).